The following is an entry in ClinVar:

NM_006642.5(SDCCAG8):c.181G>A (p.Ala61Thr)

Gene: SDCCAG8 (SHH signaling and ciliogenesis regulator SDCCAG8; plus strand). Cytogenetic location: 1q43.
Variant type: single nucleotide variant.
Coding change: c.181G>A on transcript NM_006642.5 (MANE Select); coding-DNA position 181, G replaced by A.
Protein change: p.Ala61Thr; replaces alanine 61 with threonine.
Molecular consequence: missense variant. On other transcripts: 5 prime UTR variant (4).
Genome position (GRCh38, 1-based): chr1:243,270,218, G>A. VCF-style: chr1-243270218-G-A. GRCh37 (hg19) VCF-style: chr1-243433520-G-A.
Other names: p.Ala61Thr; c.181G>A (NM_006642.3); c.-932G>A (NM_001350246.2); c.-820G>A (NM_001350247.2); c.181G>A, p.Ala61Thr (NM_001350248.2); c.-114G>A (NM_001350249.2); c.-1193G>A (NM_001350251.2); short protein forms A61T.
Identifiers: ClinVar variation 1982541 (VCV001982541.5), dbSNP rs149928402, ClinGen allele CA1483215.

ClinVar aggregate classification (germline): Uncertain significance. Review status: criteria provided, multiple submitters, no conflicts (2 of 4 stars). 4 submissions from 4 submitters: Uncertain significance (4). Last evaluated 2025-09-03.

Conditions:
SDCCAG8-related disorder. Also called: SDCCAG8-Related Disorders; SDCCAG8-related condition.
Senior-Loken syndrome 7 (SLSN7). Identifiers: Orphanet 3156, MedGen C3150877, MONDO:0013326, OMIM 613615.
Bardet-Biedl syndrome 16 (BBS16). Identifiers: Orphanet 110, MedGen C3889474, MONDO:0014444, OMIM 615993.

gnomAD v4.1: 26 of 1,614,126 alleles (0.0016%); highest among the groups gnomAD compares: African/African-American, 0.0027%; no homozygotes.

Submissions (4):

PreventionGenetics, part of Exact Sciences
Classification: Uncertain significance for SDCCAG8-related condition. Last evaluated: 2025-09-03. Review status: criteria provided, single submitter. Criteria: ACMG Guidelines, 2015. Collection method: clinical testing. Allele origin: germline.
Comment: The SDCCAG8 c.181G>A variant is predicted to result in the amino acid substitution p.Ala61Thr. To our knowledge, this variant has not been reported in the literature. This variant is reported in 0.0039% of alleles in individuals of European (Non-Finnish) descent in gnomAD. At this time, the clinical significance of this variant is uncertain due to the absence of conclusive functional and genetic evidence.

Mayo Clinic Laboratories, Mayo Clinic
Classification: Uncertain significance. Last evaluated: 2025-08-18. Review status: criteria provided, single submitter. Criteria: ACMG Guidelines, 2015. Collection method: clinical testing. Allele origin: germline. Observed: 1 variant allele.
Comment: BP4_moderate, PM2_supporting

Labcorp Genetics (formerly Invitae), Labcorp
Classification: Uncertain significance for Bardet-Biedl syndrome 16; Senior-Loken syndrome 7. Last evaluated: 2024-10-22. Review status: criteria provided, single submitter. Criteria: Invitae Variant Classification Sherloc (09022015). Collection method: clinical testing. Allele origin: germline.
Comment: This sequence change replaces alanine, which is neutral and non-polar, with threonine, which is neutral and polar, at codon 61 of the SDCCAG8 protein (p.Ala61Thr). This variant is present in population databases (rs149928402, gnomAD 0.004%). This variant has not been reported in the literature in individuals affected with SDCCAG8-related conditions. ClinVar contains an entry for this variant (Variation ID: 1982541). Invitae Evidence Modeling of protein sequence and biophysical properties (such as structural, functional, and spatial information, amino acid conservation, physicochemical variation, residue mobility, and thermodynamic stability) indicates that this missense variant is not expected to disrupt SDCCAG8 protein function with a negative predictive value of 80%. In summary, the available evidence is currently insufficient to determine the role of this variant in disease. Therefore, it has been classified as a Variant of Uncertain Significance.

Fulgent Genetics
Classification: Uncertain significance for Senior-Loken syndrome 7; Bardet-Biedl syndrome 16. Last evaluated: 2024-04-18. Review status: criteria provided, single submitter. Criteria: ACMG Guidelines, 2015. Collection method: clinical testing. Allele origin: germline.